The following is an entry in ClinVar:

NM_000516.7(GNAS):c.717C>T (p.Asn239=)

Gene: GNAS (GNAS complex locus; plus strand). Cytogenetic location: 20q13.32.
Variant type: single nucleotide variant.
Coding change: c.717C>T on transcript NM_000516.7 (MANE Select); coding-DNA position 717, C replaced by T.
Protein change: p.Asn239=; no amino-acid change (asparagine 239 retained).
Molecular consequence: synonymous variant. On other transcripts: 3 prime UTR variant (2).
Genome position (GRCh38, 1-based): chr20:58,909,578, C>T. VCF-style: chr20-58909578-C-T. GRCh37 (hg19) VCF-style: chr20-57484633-C-T.
Other names: c.717C>T (NM_000516.5); c.720C>T, p.Asn240= (NM_001077488.5); c.672C>T, p.Asn224= (NM_001077489.4); c.*578C>T (NM_001077490.3); c.540C>T, p.Asn180= (NM_001309840.2, NM_001309861.2); c.621C>T, p.Asn207= (NM_001410912.1); c.2601C>T, p.Asn867= (NM_001410913.1); c.*623C>T (NM_016592.5); and 2 more.
Identifiers: ClinVar variation 1908624 (VCV001908624.7), dbSNP rs141552288, ClinGen allele CA9927199.

ClinVar aggregate classification (germline): Uncertain significance. Review status: criteria provided, single submitter (1 of 4 stars). 2 submissions from 2 submitters: Uncertain significance (1). 1 of the submissions does not count toward it. Last evaluated 2025-10-14.

Conditions:
GNAS-related disorder. Identifiers: MedGen CN380105.

Allele frequency attached by ClinVar (database versions not stated): gnomAD exomes 0.00002; gnomAD 0.00005; ExAC 0.00006; TOPMed 0.00010; ESP Exome Variant Server 0.00023.
gnomAD v4.1: 33 of 1,614,050 alleles (0.002%); highest among the groups gnomAD compares: African/African-American, 0.011%; no homozygotes.

Submissions (2):

Labcorp Genetics (formerly Invitae), Labcorp
Classification: Uncertain significance. Last evaluated: 2025-10-14. Review status: criteria provided, single submitter. Criteria: Invitae Variant Classification Sherloc (09022015). Collection method: clinical testing. Allele origin: germline.
Comment: This sequence change affects codon 239 of the GNAS mRNA. It is a 'silent' change, meaning that it does not change the encoded amino acid sequence of the GNAS protein. It affects a nucleotide within the consensus splice site. This variant is present in population databases (rs141552288, gnomAD 0.03%). This variant has not been reported in the literature in individuals affected with GNAS-related conditions. ClinVar contains an entry for this variant (Variation ID: 1908624). Algorithms developed to predict the effect of sequence changes on RNA splicing suggest that this variant is not likely to affect RNA splicing. In summary, the available evidence is currently insufficient to determine the role of this variant in disease. Therefore, it has been classified as a Variant of Uncertain Significance.

PreventionGenetics, part of Exact Sciences
Classification: Likely benign for GNAS-related condition. Last evaluated: 2020-07-31. Review status: no assertion criteria provided. Collection method: clinical testing. Allele origin: germline. Not counted in ClinVar's aggregate classification.
Comment: This variant is classified as likely benign based on ACMG/AMP sequence variant interpretation guidelines (Richards et al. 2015 PMID: 25741868, with internal and published modifications).